The following is an entry in ClinVar:

ClinVar aggregate classification (germline): Uncertain significance. Review status: criteria provided, multiple submitters, no conflicts (2 of 4 stars). 2 submissions from 2 submitters: Uncertain significance (2). Last evaluated 2025-03-24.

Conditions:
Fanconi anemia complementation group J. Also called: BRIP1-Related Fanconi Anemia. Identifiers: Orphanet 84, MedGen C1836860, MONDO:0012187, OMIM 609054.
Familial cancer of breast. Also called: Hereditary breast cancer; hereditary breast carcinoma; BREAST CANCER, FAMILIAL. Identifiers: Orphanet 227535, MedGen C0346153, MONDO:0016419, OMIM 114480. Disease mechanism: loss of function.
Hereditary cancer-predisposing syndrome. Also called: Hereditary Cancer Syndrome; Tumor predisposition; Neoplastic Syndromes, Hereditary; Hereditary neoplastic syndrome. Identifiers: Orphanet 140162, MedGen C0027672, MeSH D009386, MONDO:0015356.

gnomAD v4.1: 4 of 1,609,326 alleles (0.00025%); highest among the groups gnomAD compares: Admixed American, 0.0017%; no homozygotes.

Submissions (2):

Ambry Genetics
Classification: Uncertain significance for Hereditary cancer-predisposing syndrome. Last evaluated: 2025-03-24. Review status: criteria provided, single submitter. Criteria: Ambry Variant Classification Scheme 2023. Collection method: clinical testing. Allele origin: germline.
Comment: The p.Q815R variant (also known as c.2444A>G), located in coding exon 16 of the BRIP1 gene, results from an A to G substitution at nucleotide position 2444. The glutamine at codon 815 is replaced by arginine, an amino acid with highly similar properties. This amino acid position is conserved. In addition, this alteration is predicted to be tolerated by in silico analysis. Based on the available evidence, the clinical significance of this variant remains unclear.

Labcorp Genetics (formerly Invitae), Labcorp
Classification: Uncertain significance for Familial cancer of breast; Fanconi anemia complementation group J. Last evaluated: 2023-07-06. Review status: criteria provided, single submitter. Criteria: Invitae Variant Classification Sherloc (09022015). Collection method: clinical testing. Allele origin: germline.
Comment: Advanced modeling of protein sequence and biophysical properties (such as structural, functional, and spatial information, amino acid conservation, physicochemical variation, residue mobility, and thermodynamic stability) performed at Invitae indicates that this missense variant is not expected to disrupt BRIP1 protein function. In summary, the available evidence is currently insufficient to determine the role of this variant in disease. Therefore, it has been classified as a Variant of Uncertain Significance. ClinVar contains an entry for this variant (Variation ID: 2044493). This variant has not been reported in the literature in individuals affected with BRIP1-related conditions. This variant is present in population databases (no rsID available, gnomAD 0.003%). This sequence change replaces glutamine, which is neutral and polar, with arginine, which is basic and polar, at codon 815 of the BRIP1 protein (p.Gln815Arg).

NM_032043.3(BRIP1):c.2444A>G (p.Gln815Arg)

Gene: BRIP1 (BRCA1 interacting DNA helicase 1; minus strand). Cytogenetic location: 17q23.2.
Variant type: single nucleotide variant.
Coding change: c.2444A>G on transcript NM_032043.3 (MANE Select); coding-DNA position 2444, A replaced by G.
Protein change: p.Gln815Arg; replaces glutamine 815 with arginine.
Molecular consequence: missense variant.
Genome position (GRCh38, 1-based): chr17:61,715,999, T>C on the plus strand (A>G on the coding strand, the complement: BRIP1 is on the minus strand). VCF-style: chr17-61715999-T-C. GRCh37 (hg19) VCF-style: chr17-59793360-T-C.
Other names: short protein forms Q815R.
Identifiers: ClinVar variation 2044493 (VCV002044493.5), dbSNP rs1282067719, ClinGen allele CA400479593.